The following is an entry in ClinVar:

NC_000004.11:g.(?_129960176)_(130014258_?)del

Gene: SCLT1 (sodium channel and clathrin linker 1; minus strand). Cytogenetic location: 4q28.2.
Variant type: Deletion.
Identifiers: ClinVar variation 1459224 (VCV001459224.5).

ClinVar aggregate classification (germline): Pathogenic (1 of 4 stars; one submission).

Submission:

Labcorp Genetics (formerly Invitae), Labcorp
Classification: Pathogenic. Last evaluated: 2022-10-17. Review status: criteria provided, single submitter. Criteria: Invitae Variant Classification Sherloc (09022015). Collection method: clinical testing. Allele origin: germline.
Comment: This variant is a gross deletion of the genomic region encompassing exon(s) 1-5 of the SCLT1 gene, which includes the initiator codon. This deletion extends beyond the assayed region for this gene and therefore may encompass additional genes. It is expected to result in an absent or disrupted protein product. Loss-of-function variants in SCLT1 are known to be pathogenic (PMID: 28005958). This variant has not been reported in the literature in individuals affected with SCLT1-related conditions. For these reasons, this variant has been classified as Pathogenic.

Literature cited by the submitters: PubMed 28005958.